The following is an entry in ClinVar:

ClinVar aggregate classification (germline): Uncertain significance (1 of 4 stars; one submission).

Conditions:
GNAS-related disorder. Identifiers: MedGen CN380105.

gnomAD v4.1: 16 of 1,551,756 alleles (0.001%); highest among the groups gnomAD compares: South Asian, 0.0059%; no homozygotes.

Submission:

PreventionGenetics, part of Exact Sciences
Classification: Uncertain significance for GNAS-related condition. Last evaluated: 2026-05-14. Review status: criteria provided, single submitter. Criteria: ACMG Guidelines, 2015. Collection method: clinical testing. Allele origin: germline.
Comment: The GNAS c.1309G>T variant is predicted to result in the amino acid substitution p.Ala437Ser. This variant is also known as a pre-coding variant c.-37153G>T in the primary transcript NM_000516.5. To our knowledge, this variant has not been reported in the literature. This variant is reported in 0.013% of alleles in individuals of South Asian descent in gnomAD. Although we suspect that this variant may be benign, the clinical significance of this variant is classified as uncertain at this time due to insufficient functional and genetic evidence.

NM_080425.4(GNAS):c.1309G>T (p.Ala437Ser)

Gene: GNAS (GNAS complex locus; plus strand). Cytogenetic location: 20q13.32.
Variant type: single nucleotide variant.
Coding change: c.1309G>T on transcript NM_080425.4 (MANE Plus Clinical); coding-DNA position 1309, G replaced by T.
Protein change: p.Ala437Ser; replaces alanine 437 with serine.
Molecular consequence: missense variant. On other transcripts: synonymous variant (2), intron variant (3).
Genome position (GRCh38, 1-based): chr20:58,854,574, G>T. VCF-style: chr20-58854574-G-T. GRCh37 (hg19) VCF-style: chr20-57429629-G-T.
Other names: c.1122G>T, p.Pro374= (NM_001077490.3, NM_001309883.1); c.1309G>T, p.Ala437Ser (NM_001410913.1); c.*42+13688G>T (NM_016592.5); c.43+13688G>T (NM_001410912.1); c.-39+12699G>T (NM_001309861.2); short protein forms A437S.
Identifiers: ClinVar variation 3350982 (VCV003350982.2).